The following is an entry in ClinVar:

NM_206933.4(USH2A):c.14020A>G (p.Arg4674Gly)

Gene: USH2A (usherin; minus strand). Cytogenetic location: 1q41.
Variant type: single nucleotide variant.
Coding change: c.14020A>G on transcript NM_206933.4 (MANE Select); coding-DNA position 14020, A replaced by G.
Protein change: p.Arg4674Gly; replaces arginine 4674 with glycine.
Molecular consequence: missense variant.
Genome position (GRCh38, 1-based): chr1:215,671,085, T>C on the plus strand (A>G on the coding strand, the complement: USH2A is on the minus strand). VCF-style: chr1-215671085-T-C. GRCh37 (hg19) VCF-style: chr1-215844427-T-C.
Other names: short protein forms R4674G.
Identifiers: ClinVar variation 2362 (VCV000002362.12), dbSNP rs80338904, ClinGen allele CA252244.
Genomic context (GRCh38, chr1:215,671,085, plus strand): 5'-AGCTTCCGTTATAGATTAGGACTGGATTGGATTTTCTAGGCTGAGTTGCTATTTGTCTTC[T>C]GTATAATTCGTAATACAAAACTTTTCCATTTGGCTGCAGCGGTCCTGTCCACAAAAGAGA-3'
Protein context (NP_996816.3, residues 4664-4684): NGKVLYYELY[Arg4674Gly]RQIATQPRKS

ClinVar aggregate classification (germline): Likely pathogenic. Review status: criteria provided, single submitter (1 of 4 stars). 4 submissions from 4 submitters: Likely pathogenic (1). 3 of the submissions do not count toward it. Last evaluated 2022-07-27.

Conditions:
Retinitis pigmentosa (RP). Identifiers: Orphanet 791, MedGen C0035334, MeSH D012174, MONDO:0019200, OMIM 268000. Inheritance: Autosomal dominant, autosomal recessive and X linked inheritance.
Retinitis pigmentosa 39 (RP39). Identifiers: Orphanet 791, MedGen C3151138, MONDO:0013436, OMIM 613809.

Submissions (4):

Labcorp Genetics (formerly Invitae), Labcorp
Classification: Likely pathogenic. Last evaluated: 2022-07-27. Review status: criteria provided, single submitter. Criteria: Invitae Variant Classification Sherloc (09022015). Collection method: clinical testing. Allele origin: germline.
Comment: In summary, the currently available evidence indicates that the variant is pathogenic, but additional data are needed to prove that conclusively. Therefore, this variant has been classified as Likely Pathogenic. Algorithms developed to predict the effect of missense changes on protein structure and function (SIFT, PolyPhen-2, Align-GVGD) all suggest that this variant is likely to be disruptive. ClinVar contains an entry for this variant (Variation ID: 2362). This missense change has been observed in individual(s) with retinitis pigmentosa (PMID: 17296898, 31456290). In at least one individual the data is consistent with being in trans (on the opposite chromosome) from a pathogenic variant. It has also been observed to segregate with disease in related individuals. This variant is not present in population databases (gnomAD no frequency). This sequence change replaces arginine, which is basic and polar, with glycine, which is neutral and non-polar, at codon 4674 of the USH2A protein (p.Arg4674Gly).

Sharon lab, Hadassah-Hebrew University Medical Center
Classification: Likely pathogenic for Retinitis pigmentosa. Last evaluated: 2019-06-23. Review status: no assertion criteria provided. Collection method: research. Allele origin: inherited. Affected: yes. Not counted in ClinVar's aggregate classification.

OMIM
Classification: Pathogenic for RETINITIS PIGMENTOSA 39. Last evaluated: 2007-02-01. Review status: no assertion criteria provided. Collection method: literature only. Allele origin: germline. Not counted in ClinVar's aggregate classification.

GeneReviews
No classification provided. Condition: Retinitis pigmentosa. Review status: no classification provided. Collection method: literature only. Allele origin: unknown. Not counted in ClinVar's aggregate classification.

Literature cited by the submitters: PubMed 17296898 (cited by 3 submitters); PubMed 31456290 (cited by Labcorp Genetics (formerly Invitae), Labcorp); PubMed 20301515 (cited by GeneReviews); NCBI Bookshelf NBK1341 (cited by GeneReviews).